The following is an entry in ClinVar:

NM_015295.3(SMCHD1):c.15C>A (p.Asp5Glu)

Gene: SMCHD1 (structural maintenance of chromosomes flexible hinge domain containing 1; plus strand). Cytogenetic location: 18p11.32.
Variant type: single nucleotide variant.
Coding change: c.15C>A on transcript NM_015295.3 (MANE Select); coding-DNA position 15, C replaced by A.
Protein change: p.Asp5Glu; replaces aspartic acid 5 with glutamic acid.
Molecular consequence: missense variant.
Genome position (GRCh38, 1-based): chr18:2,656,090, C>A. VCF-style: chr18-2656090-C-A. GRCh37 (hg19) VCF-style: chr18-2656089-C-A.
Other names: short protein forms D5E.
Identifiers: ClinVar variation 464163 (VCV000464163.10), dbSNP rs769401596, ClinGen allele CA401684502.

ClinVar aggregate classification (germline): Uncertain significance. Review status: criteria provided, multiple submitters, no conflicts (2 of 4 stars). 2 submissions from 2 submitters: Uncertain significance (2). Last evaluated 2025-08-23.

Conditions:
Inborn genetic diseases. Identifiers: MedGen C0950123, MeSH D030342.
Facioscapulohumeral muscular dystrophy 2 (FSHD2). Also called: MUSCULAR DYSTROPHY, FACIOSCAPULOHUMERAL, TYPE 1B; FACIOSCAPULOHUMERAL MUSCULAR DYSTROPHY 2, DIGENIC; FSHD2, DIGENIC. Identifiers: Orphanet 269, MedGen C1834671, MONDO:0008031, OMIM 158901.

gnomAD v4.1: 2 of 1,401,816 alleles (0.00014%); highest among the groups gnomAD compares: Admixed American, 0.0033%; no homozygotes.

Submissions (2):

Ambry Genetics
Classification: Uncertain significance for Inborn genetic diseases. Last evaluated: 2025-08-23. Review status: criteria provided, single submitter. Criteria: Ambry Variant Classification Scheme 2023. Collection method: clinical testing. Allele origin: germline.

Labcorp Genetics (formerly Invitae), Labcorp
Classification: Uncertain significance for Facioscapulohumeral muscular dystrophy 2. Last evaluated: 2025-02-18. Review status: criteria provided, single submitter. Criteria: Invitae Variant Classification Sherloc (09022015). Collection method: clinical testing. Allele origin: germline.
Comment: This sequence change replaces aspartic acid, which is acidic and polar, with glutamic acid, which is acidic and polar, at codon 5 of the SMCHD1 protein (p.Asp5Glu). The frequency data for this variant in the population databases is considered unreliable, as metrics indicate poor data quality at this position in the gnomAD database. This variant has not been reported in the literature in individuals affected with SMCHD1-related conditions. ClinVar contains an entry for this variant (Variation ID: 464163). Experimental studies and prediction algorithms are not available or were not evaluated, and the functional significance of this variant is currently unknown. In summary, the available evidence is currently insufficient to determine the role of this variant in disease. Therefore, it has been classified as a Variant of Uncertain Significance.